The following is an entry in ClinVar:

NM_001365536.1(SCN9A):c.-51+16458T>A

Gene: SCN9A (sodium voltage-gated channel alpha subunit 9; minus strand). Cytogenetic location: 2q24.3.
Variant type: single nucleotide variant.
Coding change: c.-51+16458T>A on transcript NM_001365536.1 (MANE Select); 16458 bases into the intron after 51 bases upstream of the start codon, T replaced by A.
Molecular consequence: intron variant.
Genome position (GRCh38, 1-based): chr2:166,359,239, A>T on the plus strand (T>A on the coding strand, the complement: SCN9A is on the minus strand). VCF-style: chr2-166359239-A-T. GRCh37 (hg19) VCF-style: chr2-167215749-A-T.
Other names: c.-51+16458T>A (NM_002977.4).
Identifiers: ClinVar variation 515106 (VCV000515106.1), dbSNP rs1553505720, ClinGen allele CA658795953.

ClinVar aggregate classification (germline): Likely benign (1 of 4 stars; one submission).

Submission:

GeneDx
Classification: Likely benign. Last evaluated: 2018-01-18. Review status: criteria provided, single submitter. Criteria: GeneDx Variant Classification (06012015). Collection method: clinical testing. Allele origin: germline. Affected: yes.
Comment: This variant is considered likely benign or benign based on one or more of the following criteria: it is a conservative change, it occurs at a poorly conserved position in the protein, it is predicted to be benign by multiple in silico algorithms, and/or has population frequency not consistent with disease.